The following is an entry in ClinVar:

ClinVar aggregate classification (germline): Uncertain significance (1 of 4 stars; one submission).

Conditions:
POLD1-related polyposis and colorectal cancer syndrome (CRCS10). Also called: COLORECTAL CANCER, SUSCEPTIBILITY TO, ON CHROMOSOME 19q; Colorectal cancer 10; Colorectal cancer, susceptibility to, 10. Identifiers: Orphanet 220460, MedGen C2675481, MONDO:0012953, OMIM 612591.

Submission:

Labcorp Genetics (formerly Invitae), Labcorp
Classification: Uncertain significance for POLD1-related polyposis and colorectal cancer syndrome. Last evaluated: 2022-08-08. Review status: criteria provided, single submitter. Criteria: Invitae Variant Classification Sherloc (09022015). Collection method: clinical testing. Allele origin: germline.
Comment: This sequence change replaces aspartic acid, which is acidic and polar, with alanine, which is neutral and non-polar, at codon 822 of the POLD1 protein (p.Asp822Ala). In summary, the available evidence is currently insufficient to determine the role of this variant in disease. Therefore, it has been classified as a Variant of Uncertain Significance. Algorithms developed to predict the effect of missense changes on protein structure and function are either unavailable or do not agree on the potential impact of this missense change (SIFT: "Deleterious"; PolyPhen-2: "Probably Damaging"; Align-GVGD: "Class C0"). This variant has not been reported in the literature in individuals affected with POLD1-related conditions. This variant is not present in population databases (gnomAD no frequency).

NM_002691.4(POLD1):c.2465A>C (p.Asp822Ala)

Gene: POLD1 (DNA polymerase delta 1, catalytic subunit; plus strand). Cytogenetic location: 19q13.33.
Variant type: single nucleotide variant.
Coding change: c.2465A>C on transcript NM_002691.4 (MANE Select); coding-DNA position 2465, A replaced by C.
Protein change: p.Asp822Ala; replaces aspartic acid 822 with alanine.
Molecular consequence: missense variant. On other transcripts: non-coding transcript variant (1).
Genome position (GRCh38, 1-based): chr19:50,414,891, A>C. VCF-style: chr19-50414891-A-C. GRCh37 (hg19) VCF-style: chr19-50918148-A-C.
Other names: c.2465A>C, p.Asp822Ala (NM_001256849.1); c.2543A>C, p.Asp848Ala (NM_001308632.1); short protein forms D822A, D848A.
Identifiers: ClinVar variation 1715653 (VCV001715653.5), dbSNP rs2514048090, ClinGen allele CA406984829.